The following is an entry in ClinVar:

ClinVar aggregate classification (germline): Uncertain significance. Review status: criteria provided, multiple submitters, no conflicts (2 of 4 stars). 2 submissions from 2 submitters: Uncertain significance (2). Last evaluated 2022-09-27.

Allele frequency attached by ClinVar (database versions not stated): gnomAD exomes below 0.00001 and 0.00002; TOPMed below 0.00001; ExAC 0.00002.
gnomAD v4.1: 6 of 1,613,986 alleles (0.00037%); highest among the groups gnomAD compares: Admixed American, 0.005%; no homozygotes.

Submissions (2):

Labcorp Genetics (formerly Invitae), Labcorp
Classification: Uncertain significance. Last evaluated: 2022-09-27. Review status: criteria provided, single submitter. Criteria: Invitae Variant Classification Sherloc (09022015). Collection method: clinical testing. Allele origin: germline.
Comment: This sequence change replaces leucine, which is neutral and non-polar, with valine, which is neutral and non-polar, at codon 472 of the PIGV protein (p.Leu472Val). This variant is present in population databases (rs771177205, gnomAD 0.009%). This variant has not been reported in the literature in individuals affected with PIGV-related conditions. ClinVar contains an entry for this variant (Variation ID: 1326726). Advanced modeling of protein sequence and biophysical properties (such as structural, functional, and spatial information, amino acid conservation, physicochemical variation, residue mobility, and thermodynamic stability) performed at Invitae indicates that this missense variant is not expected to disrupt PIGV protein function. Algorithms developed to predict the effect of sequence changes on RNA splicing suggest that this variant may create or strengthen a splice site. In summary, the available evidence is currently insufficient to determine the role of this variant in disease. Therefore, it has been classified as a Variant of Uncertain Significance.

GeneDx
Classification: Uncertain significance. Last evaluated: 2021-11-19. Review status: criteria provided, single submitter. Criteria: GeneDx Variant Classification Process June 2021. Collection method: clinical testing. Allele origin: germline. Affected: yes.
Comment: Not observed at significant frequency in large population cohorts (Lek et al., 2016); In silico analysis supports that this missense variant does not alter protein structure/function; Has not been previously published as pathogenic or benign to our knowledge

NM_017837.4(PIGV):c.1414C>G (p.Leu472Val)

Gene: PIGV (phosphatidylinositol glycan anchor biosynthesis class V; plus strand). Cytogenetic location: 1p36.11.
Variant type: single nucleotide variant.
Coding change: c.1414C>G on transcript NM_017837.4 (MANE Select); coding-DNA position 1414, C replaced by G.
Protein change: p.Leu472Val; replaces leucine 472 with valine.
Molecular consequence: missense variant. On other transcripts: non-coding transcript variant (2).
Genome position (GRCh38, 1-based): chr1:26,797,776, C>G. VCF-style: chr1-26797776-C-G. GRCh37 (hg19) VCF-style: chr1-27124267-C-G.
Other names: c.1414C>G, p.Leu472Val (NM_001202554.2, NM_001374478.1, NM_001374480.1 and 2 more transcripts); c.1033C>G, p.Leu345Val (NM_001374483.1); c.787C>G, p.Leu263Val (NM_001374484.1, NM_001374485.1); c.292C>G, p.Leu98Val (NM_001374486.1); short protein forms L263V, L345V, L472V, L98V.
Identifiers: ClinVar variation 1326726 (VCV001326726.3), dbSNP rs771177205, ClinGen allele CA708225.